The following is an entry in ClinVar:

NC_000008.10:g.(?_72181955)_(72246429_?)del

Gene: EYA1 (EYA transcriptional coactivator and phosphatase 1; minus strand). Cytogenetic location: 8q13.3.
Variant type: Deletion.
Identifiers: ClinVar variation 3245485 (VCV003245485.1).

ClinVar aggregate classification (germline): Pathogenic (1 of 4 stars; one submission).

Conditions:
Melnick-Fraser syndrome (BOR). Also called: Branchiootorenal Syndrome (BORS); Branchiootorenal syndrome; Branchio-oto-renal syndrome. Identifiers: Orphanet 107, MedGen C0265234, MONDO:0007029.

Submission:

Labcorp Genetics (formerly Invitae), Labcorp
Classification: Pathogenic for Melnick-Fraser syndrome. Last evaluated: 2022-11-15. Review status: criteria provided, single submitter. Criteria: Invitae Variant Classification Sherloc (09022015). Collection method: clinical testing. Allele origin: unknown.
Comment: For these reasons, this variant has been classified as Pathogenic. This variant has not been reported in the literature in individuals affected with EYA1-related conditions. This variant is a gross deletion of the genomic region encompassing exon(s) 4-11 of the EYA1 gene. This deletion is out-of-frame, and is expected to create a premature termination codon and result in an absent or disrupted protein product. Loss-of-function variants in EYA1 are known to be pathogenic (PMID: 10464653, 18220287).

Literature cited by the submitters: PubMed 10464653; PubMed 18220287.